The following is an entry in ClinVar:

NM_001378454.1(ALMS1):c.8126A>G (p.Lys2709Arg)

Gene: ALMS1 (ALMS1 centrosome and basal body associated protein; plus strand). Cytogenetic location: 2p13.1.
Variant type: single nucleotide variant.
Coding change: c.8126A>G on transcript NM_001378454.1 (MANE Select); coding-DNA position 8126, A replaced by G.
Protein change: p.Lys2709Arg; replaces lysine 2709 with arginine.
Molecular consequence: missense variant.
Genome position (GRCh38, 1-based): chr2:73,490,085, A>G. VCF-style: chr2-73490085-A-G. GRCh37 (hg19) VCF-style: chr2-73717212-A-G.
Other names: c.8129A>G, p.Lys2710Arg (NM_015120.4); short protein forms K2709R, K2710R.
Identifiers: ClinVar variation 1695491 (VCV001695491.3), dbSNP rs761242664, ClinGen allele CA1714408.

ClinVar aggregate classification (germline): Uncertain significance. Review status: criteria provided, multiple submitters, no conflicts (2 of 4 stars). 2 submissions from 2 submitters: Uncertain significance (2). Last evaluated 2022-01-06.

Conditions:
Alstrom syndrome (ALMS). Identifiers: Orphanet 64, MedGen C0268425, MONDO:0008763, OMIM 203800.

Allele frequency attached by ClinVar (database versions not stated): gnomAD exomes below 0.00001; ExAC 0.00001; TOPMed 0.00001.
gnomAD v4.1: 2 of 1,614,208 alleles (0.00012%); highest among the groups gnomAD compares: South Asian, 0.0011%; no homozygotes.

Submissions (2):

GeneDx
Classification: Uncertain significance. Last evaluated: 2022-01-06. Review status: criteria provided, single submitter. Criteria: GeneDx Variant Classification Process June 2021. Collection method: clinical testing. Allele origin: germline. Affected: yes.
Comment: Not observed at significant frequency in large population cohorts (gnomAD); In silico analysis supports that this missense variant does not alter protein structure/function; Has not been previously published as pathogenic or benign to our knowledge

Fulgent Genetics
Classification: Uncertain significance for Alstrom syndrome. Last evaluated: 2021-09-20. Review status: criteria provided, single submitter. Criteria: ACMG Guidelines, 2015. Collection method: clinical testing. Allele origin: unknown.